The following is an entry in ClinVar:

NM_015443.4(KANSL1):c.3230_3231del (p.Glu1077fs)

Gene: KANSL1 (KAT8 regulatory NSL complex subunit 1). Cytogenetic location: 17q21.31.
Variant type: Microsatellite.
Coding change: c.3230_3231del on transcript NM_015443.4 (MANE Select); coding-DNA positions 3230 to 3231, 2 bases deleted.
Protein change: p.Glu1077fs; shifts the reading frame from glutamic acid 1077.
Molecular consequence: frameshift variant.
Genome position: GRCh38 VCF-style: chr17-46031562-CCT-C. GRCh37 (hg19) VCF-style: chr17-44108928-CCT-C.
Other names: c.3227_3228del, p.Glu1076fs (NM_001193465.2, NM_001405856.1, NM_001405857.1 and 1 more transcripts); c.3230_3231del, p.Glu1077fs (NM_001193466.2, NM_001379198.1, NM_001405854.1 and 1 more transcripts); c.3128_3129del, p.Glu1043fs (NM_001405859.1, NM_001405860.1); c.3125_3126del, p.Glu1042fs (NM_001405861.1); c.3098_3099del, p.Glu1033fs (NM_001405872.1, NM_001405873.1, NM_001405874.1); c.3041_3042del, p.Glu1014fs (NM_001405875.1, NM_001405876.1, NM_001405877.1 and 1 more transcripts); c.3038_3039del, p.Glu1013fs (NM_001405879.1, NM_001405880.1); c.2993_2994del, p.Glu998fs (NM_001405881.1); and 4 more; short protein forms E1013fs, E1014fs, E1033fs, E1042fs, E1043fs, E1076fs, E1077fs, E591fs.
Identifiers: ClinVar variation 3903001 (VCV003903001.1).

ClinVar aggregate classification (germline): Uncertain significance (1 of 4 stars; one submission).

Submission:

GeneDx
Classification: Uncertain significance. Last evaluated: 2024-12-11. Review status: criteria provided, single submitter. Criteria: GeneDx Variant Classification Process June 2021. Collection method: clinical testing. Allele origin: germline. Affected: yes.
Comment: Not observed at significant frequency in large population cohorts (gnomAD); Frameshift variant predicted to result in abnormal protein length as the last 29 amino acids are replaced with 39 different amino acids; Has not been previously published as pathogenic or benign to our knowledge